The following is an entry in ClinVar:

NM_014516.4(CNOT3):c.959C>T (p.Pro320Leu)

Gene: CNOT3 (CCR4-NOT transcription complex subunit 3; plus strand). Cytogenetic location: 19q13.42.
Variant type: single nucleotide variant.
Coding change: c.959C>T on transcript NM_014516.4 (MANE Select); coding-DNA position 959, C replaced by T.
Protein change: p.Pro320Leu; replaces proline 320 with leucine.
Molecular consequence: missense variant.
Genome position (GRCh38, 1-based): chr19:54,148,212, C>T. VCF-style: chr19-54148212-C-T. GRCh37 (hg19) VCF-style: chr19-54651947-C-T.
Other names: short protein forms P320L.
Identifiers: ClinVar variation 975368 (VCV000975368.8), dbSNP rs190206269, ClinGen allele CA309339556.

ClinVar aggregate classification (germline): Uncertain significance. Review status: criteria provided, multiple submitters, no conflicts (2 of 4 stars). 3 submissions from 3 submitters: Uncertain significance (2). 1 of the submissions does not count toward it. Last evaluated 2025-02-08.

Conditions:
Intellectual disability. Also called: intellectual disabilities; Intellectual developmental disorder; Intellectual functioning disability. Identifiers: MedGen C3714756, MeSH D008607, MONDO:0001071, HP:0001249.
Inborn genetic diseases. Identifiers: MedGen C0950123, MeSH D030342.

Allele frequency attached by ClinVar (database versions not stated): gnomAD exomes 0.00004; gnomAD 0.00005; ExAC 0.00002; 1000 Genomes Project 30x 0.00031; TOPMed 0.00005; 1000 Genomes Project 0.00020.
gnomAD v4.1: 69 of 1,591,372 alleles (0.0043%); highest among the groups gnomAD compares: African/African-American, 0.0081%; no homozygotes.

Submissions (3):

Ambry Genetics
Classification: Uncertain significance for Inborn genetic diseases. Last evaluated: 2025-02-08. Review status: criteria provided, single submitter. Criteria: Ambry Variant Classification Scheme 2023. Collection method: clinical testing. Allele origin: germline.

Labcorp Genetics (formerly Invitae), Labcorp
Classification: Uncertain significance. Last evaluated: 2023-05-27. Review status: criteria provided, single submitter. Criteria: Invitae Variant Classification Sherloc (09022015). Collection method: clinical testing. Allele origin: germline.
Comment: In summary, the available evidence is currently insufficient to determine the role of this variant in disease. Therefore, it has been classified as a Variant of Uncertain Significance. An algorithm developed to predict the effect of missense changes on protein structure and function (PolyPhen-2) suggests that this variant is likely to be tolerated. ClinVar contains an entry for this variant (Variation ID: 975368). This variant has not been reported in the literature in individuals affected with CNOT3-related conditions. The frequency data for this variant in the population databases is considered unreliable, as metrics indicate poor data quality at this position in the gnomAD database. This sequence change replaces proline, which is neutral and non-polar, with leucine, which is neutral and non-polar, at codon 320 of the CNOT3 protein (p.Pro320Leu).

Centre de Biologie Pathologie Génétique, Centre Hospitalier Universitaire de Lille
Classification: Likely benign for Intellectual disability. Last evaluated: 2019-01-01. Review status: no assertion criteria provided. Collection method: clinical testing. Allele origin: inherited. Affected: yes. Not counted in ClinVar's aggregate classification.